The following is an entry in ClinVar:

ClinVar aggregate classification (germline): Uncertain significance (0 of 4 stars; one submission).

Conditions:
TTN-related disorder. Also called: TTN-related condition; TTN-related disease; TTN-related disorders.

gnomAD v4.1: 4 of 1,558,582 alleles (0.00026%); highest among the groups gnomAD compares: East Asian, 0.0071%; no homozygotes.

Submission:

PreventionGenetics, part of Exact Sciences
Classification: Uncertain significance for TTN-related condition. Last evaluated: 2024-09-06. Review status: no assertion criteria provided. Collection method: clinical testing. Allele origin: germline.
Comment: The TTN c.31333G>T variant is predicted to result in the amino acid substitution p.Val10445Phe. To our knowledge, this variant has not been reported in the literature. This variant is reported in 0.016% of alleles in individuals of East Asian descent in gnomAD. At this time, the clinical significance of this variant is uncertain due to the absence of conclusive functional and genetic evidence.

NM_001267550.2(TTN):c.31333G>T (p.Val10445Phe)

Gene: TTN (titin; minus strand). Cytogenetic location: 2q31.2.
Variant type: single nucleotide variant.
Coding change: c.31333G>T on transcript NM_001267550.2 (MANE Select); coding-DNA position 31333, G replaced by T.
Protein change: p.Val10445Phe; replaces valine 10445 with phenylalanine.
Molecular consequence: missense variant. On other transcripts: intron variant (3).
Genome position (GRCh38, 1-based): chr2:178,694,844, C>A on the plus strand (G>T on the coding strand, the complement: TTN is on the minus strand). VCF-style: chr2-178694844-C-A. GRCh37 (hg19) VCF-style: chr2-179559571-C-A.
Other names: c.30382G>T, p.Val10128Phe (NM_001256850.1); c.27601G>T, p.Val9201Phe (NM_133378.4); c.13282+43238G>T (NM_003319.4); c.13858+43238G>T (NM_133437.4); c.13657+43238G>T (NM_133432.3); short protein forms V10128F, V10445F, V9201F.
Identifiers: ClinVar variation 3356140 (VCV003356140.1).
Genomic context (GRCh38, chr2:178,694,844, plus strand): 5'-CATATTACTTGTGTACATGGGTGCTAGGAATGTTTTAAATAATACCTTTGGTGACTTGAA[C>A]TTTTTCTTCCTCCATTCTTCGAGAAGTCTTTTCAATTTTTTCAATTACTGGCTTCTTTAT-3'
Protein context (NP_001254479.2, residues 10435-10455): KTSRRMEEEK[Val10445Phe]QVTKVPEVSK